The following is an entry in ClinVar:

NM_001105206.3(LAMA4):c.1778A>G (p.His593Arg)

Gene: LAMA4 (laminin subunit alpha 4; minus strand). Cytogenetic location: 6q21.
Variant type: single nucleotide variant.
Coding change: c.1778A>G on transcript NM_001105206.3 (MANE Select); coding-DNA position 1778, A replaced by G.
Protein change: p.His593Arg; replaces histidine 593 with arginine.
Molecular consequence: missense variant.
Genome position (GRCh38, 1-based): chr6:112,158,771, T>C on the plus strand (A>G on the coding strand, the complement: LAMA4 is on the minus strand). VCF-style: chr6-112158771-T-C. GRCh37 (hg19) VCF-style: chr6-112479973-T-C.
Other names: c.1757A>G, p.His586Arg (NM_001105207.3, NM_002290.5); c.1757A>G (NM_002290.3); short protein forms H586R, H593R.
Identifiers: ClinVar variation 1284515 (VCV001284515.6), dbSNP rs751004946, ClinGen allele CA3965684.

ClinVar aggregate classification (germline): Uncertain significance. Review status: criteria provided, multiple submitters, no conflicts (2 of 4 stars). 6 submissions from 6 submitters: Uncertain significance (4). 2 of the submissions do not count toward it. Last evaluated 2025-08-20.

Conditions:
Dilated cardiomyopathy 1JJ (CMD1JJ). Identifiers: Orphanet 154, MedGen C3808935, MONDO:0014095, OMIM 615235.
Cardiovascular phenotype. Identifiers: MedGen CN230736.

Allele frequency attached by ClinVar (database versions not stated): gnomAD 0.00001; gnomAD exomes 0.00002; TOPMed 0.00002; ExAC 0.00003.
gnomAD v4.1: 30 of 1,613,828 alleles (0.0019%); highest among the groups gnomAD compares: Non-Finnish European, 0.0023%; no homozygotes.

Submissions (6):

Labcorp Genetics (formerly Invitae), Labcorp
Classification: Uncertain significance for Dilated cardiomyopathy 1JJ. Last evaluated: 2025-08-20. Review status: criteria provided, single submitter. Criteria: Invitae Variant Classification Sherloc (09022015). Collection method: clinical testing. Allele origin: germline.
Comment: This sequence change replaces histidine, which is basic and polar, with arginine, which is basic and polar, at codon 586 of the LAMA4 protein (p.His586Arg). This variant is present in population databases (rs751004946, gnomAD 0.005%). This variant has not been reported in the literature in individuals affected with LAMA4-related conditions. ClinVar contains an entry for this variant (Variation ID: 1284515). Invitae Evidence Modeling of protein sequence and biophysical properties (such as structural, functional, and spatial information, amino acid conservation, physicochemical variation, residue mobility, and thermodynamic stability) indicates that this missense variant is not expected to disrupt LAMA4 protein function with a negative predictive value of 80%. In summary, the available evidence is currently insufficient to determine the role of this variant in disease. Therefore, it has been classified as a Variant of Uncertain Significance.

GeneDx
Classification: Uncertain significance. Last evaluated: 2024-08-22. Review status: criteria provided, single submitter. Criteria: GeneDx Variant Classification Process June 2021. Collection method: clinical testing. Allele origin: germline. Affected: yes.
Comment: Has not been previously published as pathogenic or benign to our knowledge; Not observed at significant frequency in large population cohorts (gnomAD); In silico analysis supports that this missense variant has a deleterious effect on protein structure/function

Ambry Genetics
Classification: Uncertain significance for Cardiovascular phenotype. Last evaluated: 2024-03-07. Review status: criteria provided, single submitter. Criteria: Ambry Variant Classification Scheme 2023. Collection method: clinical testing. Allele origin: germline.
Comment: The p.H586R variant (also known as c.1757A>G), located in coding exon 13 of the LAMA4 gene, results from an A to G substitution at nucleotide position 1757. The histidine at codon 586 is replaced by arginine, an amino acid with highly similar properties. This amino acid position is highly conserved in available vertebrate species. In addition, this alteration is predicted to be tolerated by in silico analysis. The evidence for this gene-disease relationship is limited; therefore, the clinical significance of this alteration is unclear.

Fulgent Genetics
Classification: Uncertain significance for Dilated cardiomyopathy 1JJ. Last evaluated: 2021-09-14. Review status: criteria provided, single submitter. Criteria: ACMG Guidelines, 2015. Collection method: clinical testing. Allele origin: unknown.

Clinical Genetics, Academic Medical Center
Classification: Uncertain significance. Review status: no assertion criteria provided. Collection method: clinical testing. Allele origin: germline. Affected: yes. Study: VKGL Data-share Consensus. Not counted in ClinVar's aggregate classification.

Genome Diagnostics Laboratory, University Medical Center Utrecht
Classification: Uncertain significance. Review status: no assertion criteria provided. Collection method: clinical testing. Allele origin: germline. Affected: yes. Study: VKGL Data-share Consensus. Not counted in ClinVar's aggregate classification.